The following is an entry in ClinVar:

ClinVar aggregate classification (germline): Uncertain significance (1 of 4 stars; one submission).

Conditions:
Landau-Kleffner syndrome (FESD). Also called: EPILEPSY, FOCAL, WITH SPEECH DISORDER AND WITH OR WITHOUT MENTAL RETARDATION; APHASIA, ACQUIRED, WITH EPILEPSY. Identifiers: Orphanet 1945, Orphanet 725, Orphanet 98818, MedGen C0282512, MONDO:0009509, OMIM 245570.

Submission:

Labcorp Genetics (formerly Invitae), Labcorp
Classification: Uncertain significance for Landau-Kleffner syndrome. Last evaluated: 2022-05-10. Review status: criteria provided, single submitter. Criteria: Invitae Variant Classification Sherloc (09022015). Collection method: clinical testing. Allele origin: germline.
Comment: In summary, the available evidence is currently insufficient to determine the role of this variant in disease. Therefore, it has been classified as a Variant of Uncertain Significance. Advanced modeling of protein sequence and biophysical properties (such as structural, functional, and spatial information, amino acid conservation, physicochemical variation, residue mobility, and thermodynamic stability) performed at Invitae indicates that this missense variant is not expected to disrupt GRIN2A protein function. This variant has not been reported in the literature in individuals affected with GRIN2A-related conditions. This variant is not present in population databases (gnomAD no frequency). This sequence change replaces isoleucine, which is neutral and non-polar, with phenylalanine, which is neutral and non-polar, at codon 1117 of the GRIN2A protein (p.Ile1117Phe).

NM_001134407.3(GRIN2A):c.3349A>T (p.Ile1117Phe)

Gene: GRIN2A (glutamate ionotropic receptor NMDA type subunit 2A; minus strand). Cytogenetic location: 16p13.2.
Variant type: single nucleotide variant.
Coding change: c.3349A>T on transcript NM_001134407.3 (MANE Select); coding-DNA position 3349, A replaced by T.
Protein change: p.Ile1117Phe; replaces isoleucine 1117 with phenylalanine.
Molecular consequence: missense variant.
Genome position (GRCh38, 1-based): chr16:9,764,195, T>A on the plus strand (A>T on the coding strand, the complement: GRIN2A is on the minus strand). VCF-style: chr16-9764195-T-A. GRCh37 (hg19) VCF-style: chr16-9858052-T-A.
Other names: c.3349A>T, p.Ile1117Phe (NM_000833.5, NM_001134408.2); short protein forms I1117F.
Identifiers: ClinVar variation 1992828 (VCV001992828.4), dbSNP rs2141133158, ClinGen allele CA394708063.